The following is an entry in ClinVar:

NM_001440.4(EXTL3):c.1042G>A (p.Glu348Lys)

Gene: EXTL3 (exostosin like glycosyltransferase 3; plus strand). Cytogenetic location: 8p21.1.
Variant type: single nucleotide variant.
Coding change: c.1042G>A on transcript NM_001440.4 (MANE Select); coding-DNA position 1042, G replaced by A.
Protein change: p.Glu348Lys; replaces glutamic acid 348 with lysine.
Molecular consequence: missense variant.
Genome position (GRCh38, 1-based): chr8:28,717,101, G>A. VCF-style: chr8-28717101-G-A. GRCh37 (hg19) VCF-style: chr8-28574618-G-A.
Other names: short protein forms E348K.
Identifiers: ClinVar variation 1347447 (VCV001347447.8), dbSNP rs746425652, ClinGen allele CA4696123.

ClinVar aggregate classification (germline): Uncertain significance (1 of 4 stars; one submission).

Allele frequency attached by ClinVar (database versions not stated): TOPMed below 0.00001; ExAC 0.00001.
gnomAD v4.1: 5 of 1,614,228 alleles (0.00031%); highest among the groups gnomAD compares: East Asian, 0.0022%; no homozygotes.

Submission:

Labcorp Genetics (formerly Invitae), Labcorp
Classification: Uncertain significance. Last evaluated: 2021-03-01. Review status: criteria provided, single submitter. Criteria: Invitae Variant Classification Sherloc (09022015). Collection method: clinical testing. Allele origin: germline.
Comment: This variant has not been reported in the literature in individuals with EXTL3-related conditions. This variant is present in population databases (rs746425652, ExAC 0.002%). This sequence change replaces glutamic acid with lysine at codon 348 of the EXTL3 protein (p.Glu348Lys). The glutamic acid residue is highly conserved and there is a small physicochemical difference between glutamic acid and lysine. Algorithms developed to predict the effect of missense changes on protein structure and function are either unavailable or do not agree on the potential impact of this missense change (SIFT: "Deleterious"; PolyPhen-2: "Benign"; Align-GVGD: "Class C15"). In summary, the available evidence is currently insufficient to determine the role of this variant in disease. Therefore, it has been classified as a Variant of Uncertain Significance.